The following is an entry in ClinVar:

ClinVar aggregate classification (germline): Pathogenic (1 of 4 stars; one submission).

Conditions:
Familial cancer of breast. Also called: BREAST CANCER, FAMILIAL; Hereditary breast cancer; hereditary breast carcinoma. Identifiers: Orphanet 227535, MedGen C0346153, MONDO:0016419, OMIM 114480. Disease mechanism: loss of function.

Submission:

Myriad Genetics, Inc.
Classification: Pathogenic for Familial cancer of breast. Last evaluated: 2024-01-23. Review status: criteria provided, single submitter. Criteria: Myriad Autosomal Dominant, Autosomal Recessive and X-Linked Classification Criteria (2023). Collection method: clinical testing. Allele origin: unknown.
Comment: This variant is considered pathogenic. This variant creates a frameshift predicted to result in premature protein truncation.

NM_000051.4(ATM):c.3963delinsTGTGTATGGGTATGGTATGTGTGTTGCTGGTGAGGGGACTTGCTAAGTATTGTTAACTAATTTTAAATTAAACAAATTTCA (p.Met1321delinsIleValTyrGlyTyrGlyMetCysValAlaGlyGluGlyThrCysTer)

Gene: ATM (ATM serine/threonine kinase; plus strand). Cytogenetic location: 11q22.3.
Variant type: Indel.
Coding change: c.3963delinsTGTGTATGGGTATGGTATGTGTGTTGCTGGTGAGGGGACTTGCTAAGTATTGTTAACTAATTTTAAATTAAACAAATTTCA on transcript NM_000051.4 (MANE Select); coding-DNA position 3963, the reference bases replaced by an inserted sequence.
Protein change: p.Met1321delinsIleValTyrGlyTyrGlyMetCysValAlaGlyGluGlyThrCysTer.
Molecular consequence: nonsense.
Genome position (GRCh38, 1-based): chr11:108,284,443, one base replaced. GRCh37 (hg19), VCF-style position (the base before the change): chr11:108,155,170.
Other names: c.3963delinsTGTGTATGGGTATGGTATGTGTGTTGCTGGTGAGGGGACTTGCTAAGTATTGTTAACTAATTTTAAATTAAACAAATTTCA, p.Met1321delinsIleValTyrGlyTyrGlyMetCysValAlaGlyGluGlyThrCysTer (NM_001351834.2).
Identifiers: ClinVar variation 3148628 (VCV003148628.1), dbSNP rs2546888020, ClinGen allele CA2825001694.